The following is an entry in ClinVar:

NM_001130438.3(SPTAN1):c.5521A>G (p.Ile1841Val)

Gene: SPTAN1 (spectrin alpha, non-erythrocytic 1; plus strand). Cytogenetic location: 9q34.11.
Variant type: single nucleotide variant.
Coding change: c.5521A>G on transcript NM_001130438.3 (MANE Select); coding-DNA position 5521, A replaced by G.
Protein change: p.Ile1841Val; replaces isoleucine 1841 with valine.
Molecular consequence: missense variant.
Genome position (GRCh38, 1-based): chr9:128,618,029, A>G. VCF-style: chr9-128618029-A-G. GRCh37 (hg19) VCF-style: chr9-131380308-A-G.
Other names: c.5446A>G, p.Ile1816Val (NM_001195532.2); c.5521A>G, p.Ile1841Val (NM_001363759.2); c.5461A>G, p.Ile1821Val (NM_001363765.2); c.5506A>G, p.Ile1836Val (NM_003127.4); short protein forms I1841V, I1821V, I1836V, I1816V.
Identifiers: ClinVar variation 411795 (VCV000411795.12), dbSNP rs781083220, ClinGen allele CA5265492.
Genomic context (GRCh38, chr9:128,618,029, plus strand): 5'-CTCGTCCTTGCCTGTCAGGGTGTCCTGGACACTGGCAAGAAGCTGTCCGATGACAACACC[A>G]TCGGGAAAGAGGAGATCCAGCAGCGGCTGGCGCAGTTTGTGGAGCACTGGAAAGAGCTGA-3'
Protein context (NP_001123910.1, residues 1831-1851): TGKKLSDDNT[Ile1841Val]GKEEIQQRLA

ClinVar aggregate classification (germline): Uncertain significance (1 of 4 stars; one submission).

Conditions:
Early-infantile DEE. Also called: Ohtahara syndrome; Early infantile epileptic encephalopathy with suppression bursts; Early infantile epileptic encephalopathy. Identifiers: Orphanet 1934, MedGen C0393706, MONDO:0800491.

Allele frequency attached by ClinVar (database versions not stated): gnomAD 0.00001; gnomAD exomes 0.00001; ExAC 0.00002; TOPMed 0.00002.
gnomAD v4.1: 13 of 1,613,936 alleles (0.00081%); highest among the groups gnomAD compares: Middle Eastern, 0.049%; no homozygotes.

Submission:

Labcorp Genetics (formerly Invitae), Labcorp
Classification: Uncertain significance for Early-infantile DEE. Last evaluated: 2024-03-28. Review status: criteria provided, single submitter. Criteria: Invitae Variant Classification Sherloc (09022015). Collection method: clinical testing. Allele origin: germline.
Comment: This sequence change replaces isoleucine, which is neutral and non-polar, with valine, which is neutral and non-polar, at codon 1841 of the SPTAN1 protein (p.Ile1841Val). This variant is present in population databases (rs781083220, gnomAD 0.0009%). This variant has not been reported in the literature in individuals affected with SPTAN1-related conditions. ClinVar contains an entry for this variant (Variation ID: 411795). Advanced modeling of protein sequence and biophysical properties (such as structural, functional, and spatial information, amino acid conservation, physicochemical variation, residue mobility, and thermodynamic stability) has been performed at Invitae for this missense variant, however the output from this modeling did not meet the statistical confidence thresholds required to predict the impact of this variant on SPTAN1 protein function. In summary, the available evidence is currently insufficient to determine the role of this variant in disease. Therefore, it has been classified as a Variant of Uncertain Significance.